The following is an entry in ClinVar:

NM_001204.7(BMPR2):c.3023C>A (p.Ala1008Glu)

Gene: BMPR2 (bone morphogenetic protein receptor type 2; plus strand). Cytogenetic location: 2q33.2.
Variant type: single nucleotide variant.
Coding change: c.3023C>A on transcript NM_001204.7 (MANE Select); coding-DNA position 3023, C replaced by A.
Protein change: p.Ala1008Glu; replaces alanine 1008 with glutamic acid.
Molecular consequence: missense variant.
Genome position (GRCh38, 1-based): chr2:202,559,852, C>A. VCF-style: chr2-202559852-C-A. GRCh37 (hg19) VCF-style: chr2-203424575-C-A.
Other names: short protein forms A1008E.
Identifiers: ClinVar variation 4214406 (VCV004214406.1).

ClinVar aggregate classification (germline): Uncertain significance (1 of 4 stars; one submission).

Conditions:
Inborn genetic diseases. Identifiers: MedGen C0950123, MeSH D030342.

Submission:

Ambry Genetics
Classification: Uncertain significance for Inborn genetic diseases. Last evaluated: 2025-06-20. Review status: criteria provided, single submitter. Criteria: Ambry Variant Classification Scheme 2023. Collection method: clinical testing. Allele origin: germline.
Comment: The p.A1008E variant (also known as c.3023C>A), located in coding exon 13 of the BMPR2 gene, results from a C to A substitution at nucleotide position 3023. The alanine at codon 1008 is replaced by glutamic acid, an amino acid with dissimilar properties. This amino acid position is conserved. In addition, the in silico prediction for this alteration is inconclusive. Based on the available evidence, the clinical significance of this variant remains unclear.